The following is an entry in ClinVar:

NM_000388.4(CASR):c.2480G>A (p.Ser827Asn)

Gene: CASR (calcium sensing receptor; plus strand). Cytogenetic location: 3q21.1.
Variant type: single nucleotide variant.
Coding change: c.2480G>A on transcript NM_000388.4 (MANE Select); coding-DNA position 2480, G replaced by A.
Protein change: p.Ser827Asn; replaces serine 827 with asparagine.
Molecular consequence: missense variant.
Genome position (GRCh38, 1-based): chr3:122,284,434, G>A. VCF-style: chr3-122284434-G-A. GRCh37 (hg19) VCF-style: chr3-122003281-G-A.
Other names: c.2510G>A, p.Ser837Asn (NM_001178065.2); short protein forms S827N, S837N.
Identifiers: ClinVar variation 1791916 (VCV001791916.5), dbSNP rs2473280316, ClinGen allele CA354160030.

ClinVar aggregate classification (germline): Uncertain significance. Review status: criteria provided, multiple submitters, no conflicts (2 of 4 stars). 3 submissions from 3 submitters: Uncertain significance (3). Last evaluated 2025-11-12.

Conditions:
Nephrolithiasis/nephrocalcinosis. Identifiers: MedGen CN580796.
Neonatal severe primary hyperparathyroidism. Identifiers: Orphanet 417, MedGen C1832615, MONDO:0009397, OMIM 239200.
Familial hypocalciuric hypercalcemia 1. Also called: Hypercalcemia, familial benign type 1. Identifiers: Orphanet 405, Orphanet 93372, MedGen C0342637, MONDO:0007791, OMIM 145980.
Autosomal dominant hypocalcemia 1 (HYPOC1). Also called: HYPOCALCEMIA, FAMILIAL. Identifiers: MedGen C3715128, MONDO:0011013, OMIM 601198.
Epilepsy, idiopathic generalized, susceptibility to, 8. Identifiers: MedGen C2752062, MONDO:0013032, OMIM 612899.

Submissions (3):

Dasa
Classification: Uncertain significance. Last evaluated: 2025-11-12. Review status: criteria provided, single submitter. Criteria: DASA Assertion Criteria. Collection method: clinical testing. Allele origin: germline.
Comment: NM_000388.4(CASR):c.2480G>A (p.Ser827Asn) is a missense variant that results in the substitution of serine with asparagine. The affected residue or protein region has prior evidence supporting clinical relevance. This variant is absent from population databases. Computational prediction algorithms are consistent with a deleterious effect. The currently available literature and clinical evidence are not sufficient to establish a definitive association between this variant and the reported condition. Therefore, this variant is classified as a variant of uncertain significance.

Fulgent Genetics
Classification: Uncertain significance for Familial hypocalciuric hypercalcemia 1; Neonatal severe primary hyperparathyroidism; Autosomal dominant hypocalcemia 1; Epilepsy, idiopathic generalized, susceptibility to, 8. Last evaluated: 2024-03-25. Review status: criteria provided, single submitter. Criteria: ACMG Guidelines, 2015. Collection method: clinical testing. Allele origin: germline.

Ambry Genetics
Classification: Uncertain significance for Nephrolithiasis/nephrocalcinosis. Last evaluated: 2021-10-07. Review status: criteria provided, single submitter. Criteria: Ambry Variant Classification Scheme 2023. Collection method: clinical testing. Allele origin: germline.
Comment: The p.S827N variant (also known as c.2480G>A), located in coding exon 6 of the CASR gene, results from a G to A substitution at nucleotide position 2480. The serine at codon 827 is replaced by asparagine, an amino acid with highly similar properties. This amino acid position is conserved. In addition, the in silico prediction for this alteration is inconclusive. Since supporting evidence is limited at this time, the clinical significance of this alteration remains unclear.